The following is an entry in ClinVar:

ClinVar aggregate classification (germline): Uncertain significance (1 of 4 stars; one submission).

Submission:

Mayo Clinic Laboratories, Mayo Clinic
Classification: Uncertain significance. Last evaluated: 2025-11-14. Review status: criteria provided, single submitter. Criteria: ACMG Guidelines, 2015. Collection method: clinical testing. Allele origin: germline. Observed: 1 variant allele.
Comment: PM2_supporting

NM_006796.3(AFG3L2):c.229T>A (p.Phe77Ile)

Gene: AFG3L2 (AFG3 like matrix AAA peptidase subunit 2; minus strand). Cytogenetic location: 18p11.21.
Variant type: single nucleotide variant.
Coding change: c.229T>A on transcript NM_006796.3 (MANE Select); coding-DNA position 229, T replaced by A.
Protein change: p.Phe77Ile; replaces phenylalanine 77 with isoleucine.
Molecular consequence: missense variant.
Genome position (GRCh38, 1-based): chr18:12,370,912, A>T on the plus strand (T>A on the coding strand, the complement: AFG3L2 is on the minus strand). VCF-style: chr18-12370912-A-T. GRCh37 (hg19) VCF-style: chr18-12370911-A-T.
Other names: p.Phe77Ile; short protein forms F77I.
Identifiers: ClinVar variation 4542250 (VCV004542250.1).